The following is an entry in ClinVar:

ClinVar aggregate classification (germline): Pathogenic (1 of 4 stars; one submission).

Submission:

Labcorp Genetics (formerly Invitae), Labcorp
Classification: Pathogenic. Last evaluated: 2025-04-12. Review status: criteria provided, single submitter. Criteria: Invitae Variant Classification Sherloc (09022015). Collection method: clinical testing. Allele origin: germline.
Comment: This sequence change creates a premature translational stop signal (p.Gln323*) in the MCPH1 gene. It is expected to result in an absent or disrupted protein product. Loss-of-function variants in MCPH1 are known to be pathogenic (PMID: 20978018). This variant is not present in population databases (gnomAD no frequency). This variant has not been reported in the literature in individuals affected with MCPH1-related conditions. For these reasons, this variant has been classified as Pathogenic.

Literature cited by the submitters: PubMed 20978018.

NM_024596.5(MCPH1):c.967C>T (p.Gln323Ter)

Gene: MCPH1 (microcephalin 1; plus strand). Cytogenetic location: 8p23.1.
Variant type: single nucleotide variant.
Coding change: c.967C>T on transcript NM_024596.5 (MANE Select); coding-DNA position 967, C replaced by T.
Protein change: p.Gln323Ter; replaces glutamine 323 with a stop codon.
Molecular consequence: nonsense. On other transcripts: non-coding transcript variant (1).
Genome position (GRCh38, 1-based): chr8:6,444,689, C>T. VCF-style: chr8-6444689-C-T. GRCh37 (hg19) VCF-style: chr8-6302210-C-T.
Other names: c.967C>T, p.Gln323Ter (NM_001172574.2, NM_001322042.2, NM_001363979.1 and 3 more transcripts); c.823C>T, p.Gln275Ter (NM_001172575.2); c.961C>T, p.Gln321Ter (NM_001322043.2); c.865C>T, p.Gln289Ter (NM_001322045.2); short protein forms Q275*, Q289*, Q321*, Q323*.
Identifiers: ClinVar variation 4702408 (VCV004702408.1).